The following is an entry in ClinVar:

ClinVar aggregate classification (germline): Benign/Likely benign. Review status: criteria provided, multiple submitters, no conflicts (2 of 4 stars). 4 submissions from 4 submitters: Benign (1); Likely benign (2). 1 of the submissions does not count toward it. Last evaluated 2025-07-06.

Conditions:
Inborn genetic diseases. Identifiers: MedGen C0950123, MeSH D030342.
Borjeson-Forssman-Lehmann syndrome (BFLS). Also called: MENTAL RETARDATION, X-LINKED, SYNDROMIC, BORJESON-FORSSMAN-LEHMANN TYPE; MENTAL RETARDATION, EPILEPSY, AND ENDOCRINE DISORDERS; BORJESON SYNDROME. Identifiers: Orphanet 127, MedGen C0265339, MONDO:0010537, OMIM 301900.
PHF6-related disorder. Also called: PHF6-related condition.

Allele frequency attached by ClinVar (database versions not stated): gnomAD exomes 0.00003; gnomAD 0.00004; TOPMed 0.00007; ExAC 0.00008.
gnomAD v4.1: 36 of 1,208,468 alleles (0.003%); highest among the groups gnomAD compares: Admixed American, 0.0066%; no homozygotes.

Submissions (4):

Labcorp Genetics (formerly Invitae), Labcorp
Classification: Benign for Borjeson-Forssman-Lehmann syndrome. Last evaluated: 2025-07-06. Review status: criteria provided, single submitter. Criteria: Invitae Variant Classification Sherloc (09022015). Collection method: clinical testing. Allele origin: germline.

Blueprint Genetics
Classification: Likely benign. Last evaluated: 2022-06-07. Review status: criteria provided, single submitter. Criteria: ACMG Guidelines, 2015. Collection method: clinical testing. Allele origin: germline.

Ambry Genetics
Classification: Likely benign for Inborn genetic diseases. Last evaluated: 2018-09-11. Review status: criteria provided, single submitter. Criteria: Ambry Variant Classification Scheme 2023. Collection method: clinical testing. Allele origin: germline.

PreventionGenetics, part of Exact Sciences
Classification: Likely benign for PHF6-related condition. Last evaluated: 2020-07-22. Review status: no assertion criteria provided. Collection method: clinical testing. Allele origin: germline. Not counted in ClinVar's aggregate classification.
Comment: This variant is classified as likely benign based on ACMG/AMP sequence variant interpretation guidelines (Richards et al. 2015 PMID: 25741868, with internal and published modifications).

NM_001015877.2(PHF6):c.648T>C (p.His216=)

Gene: PHF6 (PHD finger protein 6; plus strand). Cytogenetic location: Xq26.2.
Variant type: single nucleotide variant.
Coding change: c.648T>C on transcript NM_001015877.2 (MANE Select); coding-DNA position 648, T replaced by C.
Protein change: p.His216=; no amino-acid change (histidine 216 retained).
Molecular consequence: synonymous variant.
Genome position (GRCh38, 1-based): chrX:134,413,885, T>C. VCF-style: chrX-134413885-T-C. GRCh37 (hg19) VCF-style: chrX-133547915-T-C.
Other names: c.651T>C, p.His217= (NM_032335.3); c.648T>C, p.His216= (NM_032458.3).
Identifiers: ClinVar variation 1753829 (VCV001753829.10), dbSNP rs755211450, ClinGen allele CA10521246.